The following is an entry in ClinVar:

NM_001081.4(CUBN):c.1349G>A (p.Gly450Asp)

Genes: CUBN (cubilin; minus strand), LOC129390143 (MPRA-validated peak884 silencer; plus strand). Cytogenetic location: 10p13.
Variant type: single nucleotide variant.
Coding change: c.1349G>A on transcript NM_001081.4 (MANE Select); coding-DNA position 1349, G replaced by A.
Protein change: p.Gly450Asp; replaces glycine 450 with aspartic acid.
Molecular consequence: missense variant.
Genome position (GRCh38, 1-based): chr10:17,104,487, C>T on the plus strand (G>A on the coding strand, the complement: CUBN is on the minus strand). VCF-style: chr10-17104487-C-T. GRCh37 (hg19) VCF-style: chr10-17146486-C-T.
Other names: short protein forms G450D.
Identifiers: ClinVar variation 618058 (VCV000618058.17), dbSNP rs146463364, ClinGen allele CA5425309.

ClinVar aggregate classification (germline): Uncertain significance. Review status: criteria provided, multiple submitters, no conflicts (2 of 4 stars). 5 submissions from 5 submitters: Uncertain significance (4). 1 of the submissions does not count toward it. Last evaluated 2024-06-07.

Conditions:
Imerslund-Grasbeck syndrome type 1 (IGS1). Also called: MEGALOBLASTIC ANEMIA, 1; Imerslund-Gräsbeck syndrome 1; Megaloblastic anemia 1, Finnish type. Identifiers: MedGen C4016819, MONDO:0100156, OMIM 261100.
Proteinuria, chronic benign. Identifiers: MedGen C5394384, MONDO:0030042, OMIM 618884.
CUBN-related disorder. Also called: CUBN-related condition.
Imerslund-Grasbeck syndrome. Also called: PERNICIOUS ANEMIA, JUVENILE, DUE TO SELECTIVE INTESTINAL MALABSORPTION OF VITAMIN B12, WITH PROTEINURIA; Imerslund-Gräsbeck syndrome; Megaloblastic anemia due to inborn errors of metabolism; ENTEROCYTE COBALAMIN MALABSORPTION; ENTEROCYTE INTRINSIC FACTOR RECEPTOR, DEFECT OF. Identifiers: Orphanet 35858, MedGen C4551825, MONDO:0009853.

Allele frequency attached by ClinVar (database versions not stated): gnomAD 0.00032 and 0.00034; TOPMed 0.00045; 1000 Genomes Project 0.00100; gnomAD exomes 0.00004 and 0.00012; ExAC 0.00016; 1000 Genomes Project 30x 0.00109; ESP Exome Variant Server 0.00062.
gnomAD v4.1: 118 of 1,613,952 alleles (0.0073%); highest among the groups gnomAD compares: African/African-American, 0.12%; no homozygotes.

Submissions (5):

GeneDx
Classification: Uncertain significance. Last evaluated: 2024-06-07. Review status: criteria provided, single submitter. Criteria: GeneDx Variant Classification Process June 2021. Collection method: clinical testing. Allele origin: germline. Affected: yes.
Comment: In silico analysis indicates that this missense variant does not alter protein structure/function; Has not been previously published as pathogenic or benign to our knowledge

Fulgent Genetics
Classification: Uncertain significance for Imerslund-Grasbeck syndrome type 1; Proteinuria, chronic benign. Last evaluated: 2024-05-28. Review status: criteria provided, single submitter. Criteria: ACMG Guidelines, 2015. Collection method: clinical testing. Allele origin: germline.

Labcorp Genetics (formerly Invitae), Labcorp
Classification: Uncertain significance for Imerslund-Grasbeck syndrome. Last evaluated: 2023-11-28. Review status: criteria provided, single submitter. Criteria: Invitae Variant Classification Sherloc (09022015). Collection method: clinical testing. Allele origin: germline.
Comment: This sequence change replaces glycine, which is neutral and non-polar, with aspartic acid, which is acidic and polar, at codon 450 of the CUBN protein (p.Gly450Asp). This variant is present in population databases (rs146463364, gnomAD 0.1%). This variant has not been reported in the literature in individuals affected with CUBN-related conditions. ClinVar contains an entry for this variant (Variation ID: 618058). Advanced modeling of protein sequence and biophysical properties (such as structural, functional, and spatial information, amino acid conservation, physicochemical variation, residue mobility, and thermodynamic stability) performed at Invitae indicates that this missense variant is not expected to disrupt CUBN protein function with a negative predictive value of 80%. In summary, the available evidence is currently insufficient to determine the role of this variant in disease. Therefore, it has been classified as a Variant of Uncertain Significance.

ARUP Laboratories, Molecular Genetics and Genomics, ARUP Laboratories
Classification: Uncertain significance. Last evaluated: 2017-09-08. Review status: criteria provided, single submitter. Criteria: ARUP Molecular Germline Variant Investigation Process. Collection method: clinical testing. Allele origin: germline.
Comment: The c.1349G>A; p.Gly450Asp variant (rs146463364) has not been reported in the medical literature, nor has it been previously identified by our laboratory. This variant is listed in the Genome Aggregation Database (gnomAD) with a population frequency of 0.1 percent in the African population (identified on 33 out of 24,030 chromosomes). The glycine at position 450 is moderately conserved across 10 species (Alamut v2.9.0) and computational analyses of the effects of the p.Gly450Asp variant on protein structure and function provide conflicting results (SIFT: tolerated, MutationTaster: disease causing, PolyPhen-2: benign). Altogether, there is not enough evidence to classify the p.Gly450Asp variant with certainty.

PreventionGenetics, part of Exact Sciences
Classification: Uncertain significance for CUBN-related condition. Last evaluated: 2024-05-03. Review status: no assertion criteria provided. Collection method: clinical testing. Allele origin: germline. Not counted in ClinVar's aggregate classification.
Comment: The CUBN c.1349G>A variant is predicted to result in the amino acid substitution p.Gly450Asp. To our knowledge, this variant has not been reported in the literature. This variant is reported in 0.14% of alleles in individuals of African descent in gnomAD. Although we suspect that this variant may be benign, at this time, the clinical significance of this variant is uncertain due to the absence of conclusive functional and genetic evidence.